The following is an entry in ClinVar:

ClinVar aggregate classification (germline): Uncertain significance (1 of 4 stars; one submission).

Conditions:
Spastic paraplegia. Identifiers: MedGen C0037772, HP:0001258.

Submission:

Labcorp Genetics (formerly Invitae), Labcorp
Classification: Uncertain significance for Spastic paraplegia. Last evaluated: 2022-07-15. Review status: criteria provided, single submitter. Criteria: Invitae Variant Classification Sherloc (09022015). Collection method: clinical testing. Allele origin: germline.
Comment: In summary, the available evidence is currently insufficient to determine the role of this variant in disease. Therefore, it has been classified as a Variant of Uncertain Significance. This variant has not been reported in the literature in individuals affected with GJC2-related conditions. Advanced modeling of protein sequence and biophysical properties (such as structural, functional, and spatial information, amino acid conservation, physicochemical variation, residue mobility, and thermodynamic stability) performed at Invitae indicates that this missense variant is expected to disrupt GJC2 protein function. This variant is not present in population databases (gnomAD no frequency). This sequence change replaces histidine, which is basic and polar, with asparagine, which is neutral and polar, at codon 76 of the GJC2 protein (p.His76Asn).

NM_020435.4(GJC2):c.226C>A (p.His76Asn)

Gene: GJC2 (gap junction protein gamma 2; plus strand). Cytogenetic location: 1q42.13.
Variant type: single nucleotide variant.
Coding change: c.226C>A on transcript NM_020435.4 (MANE Select); coding-DNA position 226, C replaced by A.
Protein change: p.His76Asn; replaces histidine 76 with asparagine.
Molecular consequence: missense variant.
Genome position (GRCh38, 1-based): chr1:228,157,984, C>A. VCF-style: chr1-228157984-C-A. GRCh37 (hg19) VCF-style: chr1-228345685-C-A.
Other names: short protein forms H76N.
Identifiers: ClinVar variation 1715561 (VCV001715561.5), dbSNP rs2527875499, ClinGen allele CA345097172.